The following is an entry in ClinVar:

ClinVar aggregate classification (germline): Pathogenic (1 of 4 stars; one submission).

Conditions:
Cranioectodermal dysplasia 1 (CED1). Also called: LEVIN SYNDROME I. Identifiers: Orphanet 1515, MedGen C0432235, MONDO:0021093, OMIM 218330.

Submission:

Labcorp Genetics (formerly Invitae), Labcorp
Classification: Pathogenic for Cranioectodermal dysplasia 1. Last evaluated: 2023-08-04. Review status: criteria provided, single submitter. Criteria: Invitae Variant Classification Sherloc (09022015). Collection method: clinical testing. Allele origin: germline.
Comment: This sequence change creates a premature translational stop signal (p.Tyr1077Valfs*10) in the IFT122 gene. It is expected to result in an absent or disrupted protein product. Loss-of-function variants in IFT122 are known to be pathogenic (PMID: 20493458, 23826986, 26792575). This variant is not present in population databases (gnomAD no frequency). This premature translational stop signal has been observed in individual(s) with short-rib thoracic dysplasia (PMID: 26792575, 28370949). For these reasons, this variant has been classified as Pathogenic.

Literature cited by the submitters: PubMed 20493458; PubMed 23826986; PubMed 26792575; PubMed 28370949.

NM_052989.3(IFT122):c.3076_3080delinsGTA (p.Tyr1026fs)

Gene: IFT122 (intraflagellar transport 122; plus strand). Cytogenetic location: 3q22.1.
Variant type: Indel.
Coding change: c.3076_3080delinsGTA on transcript NM_052989.3 (MANE Select); coding-DNA positions 3076 to 3080, TACAT replaced by GTA.
Protein change: p.Tyr1026fs; shifts the reading frame from tyrosine 1026.
Molecular consequence: frameshift variant.
Genome position (GRCh38, 1-based): chr3:129,514,477-129,514,481, TACAT replaced by GTA. VCF-style: chr3-129514477-TACAT-GTA. GRCh37 (hg19) VCF-style: chr3-129233320-TACAT-GTA.
Other names: c.3055_3059delinsGTA, p.Tyr1019fs (NM_001280541.2); c.2626_2630delinsGTA, p.Tyr876fs (NM_001280545.2); c.2449_2453delinsGTA, p.Tyr817fs (NM_001280546.2); c.3079_3083delTACATinsGTA, p.Tyr1027Valfs (NM_001410808.1); c.3022_3026delTACATinsGTA, p.Tyr1008Valfs (NM_001410809.1); c.2902_2906delTACATinsGTA, p.Tyr968Valfs (NM_001410810.1); c.2848_2852delTACATinsGTA, p.Tyr950Valfs (NM_001410811.1); c.2845_2849delTACATinsGTA, p.Tyr949Valfs (NM_001410813.1); and 5 more; short protein forms Y876fs, Y916fs, Y1026fs, Y967fs, Y817fs, Y1019fs, Y1077fs.
Identifiers: ClinVar variation 2203430 (VCV002203430.4), dbSNP rs2532710574, ClinGen allele CA2580068764.